The following is an entry in ClinVar:

ClinVar aggregate classification (germline): Uncertain significance (1 of 4 stars; one submission).

Conditions:
Acute myeloid leukemia (AML). Also called: Acute myeloid leukemia, adult; AML adult; Acute non-lymphocytic leukemia; Acute granulocytic leukemia; Leukemia, acute myeloid, somatic; Leukemia, acute myelogenous, somatic. Identifiers: Orphanet 519, MedGen C0023467, MeSH D015470, MONDO:0018874, OMIM 601626, HP:0004808. Disease mechanism: Constitutively activated FLT3.

Submission:

Labcorp Genetics (formerly Invitae), Labcorp
Classification: Uncertain significance for Acute myeloid leukemia. Last evaluated: 2022-04-30. Review status: criteria provided, single submitter. Criteria: Invitae Variant Classification Sherloc (09022015). Collection method: clinical testing. Allele origin: germline.
Comment: This variant has not been reported in the literature in individuals affected with CEBPA-related conditions. Algorithms developed to predict the effect of missense changes on protein structure and function (SIFT, PolyPhen-2, Align-GVGD) all suggest that this variant is likely to be tolerated. In summary, the available evidence is currently insufficient to determine the role of this variant in disease. Therefore, it has been classified as a Variant of Uncertain Significance. This variant is not present in population databases (gnomAD no frequency). This sequence change replaces glycine, which is neutral and non-polar, with cysteine, which is neutral and slightly polar, at codon 38 of the CEBPA protein (p.Gly38Cys).

NM_004364.5(CEBPA):c.112G>T (p.Gly38Cys)

Gene: CEBPA (CCAAT enhancer binding protein alpha; minus strand). Cytogenetic location: 19q13.11.
Variant type: single nucleotide variant.
Coding change: c.112G>T on transcript NM_004364.5 (MANE Select); coding-DNA position 112, G replaced by T.
Protein change: p.Gly38Cys; replaces glycine 38 with cysteine.
Molecular consequence: missense variant. On other transcripts: 5 prime UTR variant (1).
Genome position (GRCh38, 1-based): chr19:33,302,303, C>A on the plus strand (G>T on the coding strand, the complement: CEBPA is on the minus strand). VCF-style: chr19-33302303-C-A. GRCh37 (hg19) VCF-style: chr19-33793209-C-A.
Other names: c.-246G>T (NM_001285829.2); c.217G>T, p.Gly73Cys (NM_001287424.2); c.70G>T, p.Gly24Cys (NM_001287435.2); short protein forms G38C, G24C, G73C.
Identifiers: ClinVar variation 2131851 (VCV002131851.4), dbSNP rs2145264443, ClinGen allele CA405275650.